The following is an entry in ClinVar:

NM_000276.4(OCRL):c.2581+4A>G

Gene: OCRL (OCRL inositol polyphosphate-5-phosphatase; plus strand). Cytogenetic location: Xq26.1.
Variant type: single nucleotide variant.
Coding change: c.2581+4A>G on transcript NM_000276.4 (MANE Select); 4 bases into the intron after coding-DNA position 2581, A replaced by G.
Molecular consequence: intron variant.
Genome position (GRCh38, 1-based): chrX:129,589,960, A>G. VCF-style: chrX-129589960-A-G. GRCh37 (hg19) VCF-style: chrX-128723937-A-G.
Other names: c.2584+4A>G (NM_001318784.2); c.2557+4A>G (NM_001587.4).
Identifiers: ClinVar variation 3338819 (VCV003338819.1).

ClinVar aggregate classification (germline): Uncertain significance (1 of 4 stars; one submission).

Submission:

GeneDx
Classification: Uncertain significance. Last evaluated: 2023-07-11. Review status: criteria provided, single submitter. Criteria: GeneDx Variant Classification Process June 2021. Collection method: clinical testing. Allele origin: germline. Affected: yes.
Comment: Not observed at significant frequency in large population cohorts (gnomAD); In silico analysis is inconclusive as to whether the variant alters gene splicing. In the absence of RNA/functional studies, the actual effect of this sequence change is unknown.; This variant is associated with the following publications: (PMID: 21031565)